The following is an entry in ClinVar:

NM_001369369.1(FOXN1):c.1205del (p.Pro402fs)

Gene: FOXN1 (forkhead box N1; plus strand). Cytogenetic location: 17q11.2.
Variant type: Deletion.
Coding change: c.1205del on transcript NM_001369369.1 (MANE Select); coding-DNA position 1205, one base deleted (C; older notation c.1205delC).
Protein change: p.Pro402fs; shifts the reading frame from proline 402.
Molecular consequence: frameshift variant.
Genome position (GRCh38, 1-based): chr17:28,534,776, C deleted; the last of 5 consecutive C bases (chr17:28,534,772-28,534,776); deleting any one gives the same sequence. VCF-style (leftmost placement, unchanged base first): chr17-28534771-GC-G. GRCh37 (hg19) VCF-style: chr17-26861789-GC-G.
Other names: c.1205del, p.Pro402fs (NM_003593.3); short protein forms P402fs.
Identifiers: ClinVar variation 955969 (VCV000955969.7), dbSNP rs2070011218, ClinGen allele CA1139665287.

ClinVar aggregate classification (germline): Pathogenic (1 of 4 stars; one submission).

Conditions:
T-cell immunodeficiency, congenital alopecia, and nail dystrophy. Also called: Congenital alopecia and nail dystrophy associated with severe functional T-cell immunodeficiency; Pignata Guarino syndrome. Identifiers: Orphanet 169095, MedGen C1866426, MONDO:0011132, OMIM 601705.

Submission:

Labcorp Genetics (formerly Invitae), Labcorp
Classification: Pathogenic for T-cell immunodeficiency, congenital alopecia, and nail dystrophy. Last evaluated: 2021-05-13. Review status: criteria provided, single submitter. Criteria: Invitae Variant Classification Sherloc (09022015). Collection method: clinical testing. Allele origin: germline.
Comment: This variant is not present in population databases (ExAC no frequency). For these reasons, this variant has been classified as Pathogenic. This variant disrupts the C-terminus of the FOXN1 protein. Other variant(s) that disrupt this region (p.Gln489Argfs*61) have been determined to be pathogenic (PMID: 31566583). This suggests that variants that disrupt this region of the protein are likely to be causative of disease. This variant has been observed in individual(s) with clinical features of FOXN1 haploinsufficiency (PMID: 31447097). ClinVar contains an entry for this variant (Variation ID: 955969). This sequence change creates a premature translational stop signal (p.Pro402Leufs*148) in the FOXN1 gene. While this is not anticipated to result in nonsense mediated decay, it is expected to disrupt the last 247 amino acid(s) of the FOXN1 protein.

Literature cited by the submitters: PubMed 31566583; PubMed 31447097.